The following is an entry in ClinVar:

ClinVar aggregate classification (germline): Likely pathogenic (1 of 4 stars; one submission).

Conditions:
Tuberous sclerosis 2 (TSC2). Identifiers: Orphanet 805, MedGen C1860707, MONDO:0013199, OMIM 613254.

Submission:

Broad Center for Mendelian Genomics, Broad Institute of MIT and Harvard
Classification: Likely pathogenic for Tuberous sclerosis 2. Last evaluated: 2026-03-02. Review status: criteria provided, single submitter. Criteria: ACMG Guidelines, 2015. Collection method: research. Allele origin: germline. Inheritance: Autosomal dominant inheritance.
Comment: The p.His1620Pro variant in TSC2 has been previously reported in 1 individual with tuberous sclerosis-2 (PMID: 31655562), and was absent from large population studies. This variant is assumed de novo in 1 individual, but maternity and paternity have not been confirmed (PMID: 31655562). Computational prediction tools and conservation analyses suggest that this variant may impact the protein, though this information is not predictive enough to determine pathogenicity. Three additional pathogenic/likely pathogenic variants, resulting in a different amino acid change at the same position, p.His1620Tyr, p.His1620Arg, and p.His1620Leu, have been reported in association with disease in ClinVar, supporting that a change at this position may not be tolerated (Variation ID: 49327, 65243, and 424510). In summary, although additional studies are required to fully establish its clinical significance, this variant is likely pathogenic for autosomal dominant tuberous sclerosis-2. ACMG/AMP Criteria applied: PM5, PM6, PP3, PM2_supporting, PS4_supporting (Richards 2015).

NM_000548.5(TSC2):c.4859A>C (p.His1620Pro)

Gene: TSC2 (TSC complex subunit 2; plus strand). Cytogenetic location: 16p13.3.
Variant type: single nucleotide variant.
Coding change: c.4859A>C on transcript NM_000548.5 (MANE Select); coding-DNA position 4859, A replaced by C.
Protein change: p.His1620Pro; replaces histidine 1620 with proline.
Molecular consequence: missense variant. On other transcripts: non-coding transcript variant (4).
Genome position (GRCh38, 1-based): chr16:2,086,741, A>C. VCF-style: chr16-2086741-A-C. GRCh37 (hg19) VCF-style: chr16-2136742-A-C.
Other names: NM_021055.3:c.4730A>C; c.3317A>C, p.His1106Pro (NM_001406693.1, NM_001406694.1, NM_001406692.1); c.3314A>C, p.His1105Pro (NM_001406695.1, NM_001406696.1, NM_001406697.1); c.3056A>C, p.His1019Pro (NM_001406698.1); c.4730A>C, p.His1577Pro (NM_021055.3, NM_001370405.1); c.4658A>C, p.His1553Pro (NM_001077183.3); c.4790A>C, p.His1597Pro (NM_001114382.3); c.4550A>C, p.His1517Pro (NM_001318827.2); and 27 more; short protein forms H1019P, H1105P, H1106P, H1128P, H1129P, H1149P, H1353P, H1354P.
Identifiers: ClinVar variation 4819460 (VCV004819460.1).